The following is an entry in ClinVar:

NM_001605.3(AARS1):c.2833G>A (p.Val945Ile)

Gene: AARS1 (alanyl-tRNA synthetase 1; minus strand). Cytogenetic location: 16q22.1.
Variant type: single nucleotide variant.
Coding change: c.2833G>A on transcript NM_001605.3 (MANE Select); coding-DNA position 2833, G replaced by A.
Protein change: p.Val945Ile; replaces valine 945 with isoleucine.
Molecular consequence: missense variant.
Genome position (GRCh38, 1-based): chr16:70,252,795, C>T on the plus strand (G>A on the coding strand, the complement: AARS1 is on the minus strand). VCF-style: chr16-70252795-C-T. GRCh37 (hg19) VCF-style: chr16-70286698-C-T.
Other names: short protein forms V945I.
Identifiers: ClinVar variation 4975958 (VCV004975958.1).

ClinVar aggregate classification (germline): Uncertain significance (1 of 4 stars; one submission).

Submission:

GeneDx
Classification: Uncertain significance. Last evaluated: 2026-02-04. Review status: criteria provided, single submitter. Criteria: GeneDx Variant Classification Process June 2021. Collection method: clinical testing. Allele origin: germline.
Comment: Not observed at significant frequency in large population cohorts (gnomAD); In silico analysis suggests that this missense variant does not alter protein structure/function; Has not been previously published as pathogenic or benign to our knowledge; This variant is associated with the following publications: (PMID: 25817015)